The following is an entry in ClinVar:

NM_025243.4(SLC19A3):c.*231G>A

Gene: SLC19A3 (solute carrier family 19 member 3; minus strand). Cytogenetic location: 2q36.3.
Variant type: single nucleotide variant.
Coding change: c.*231G>A on transcript NM_025243.4 (MANE Select); 231 bases downstream of the stop codon, G replaced by A.
Molecular consequence: 3 prime UTR variant.
Genome position (GRCh38, 1-based): chr2:227,687,166, C>T on the plus strand (G>A on the coding strand, the complement: SLC19A3 is on the minus strand). VCF-style: chr2-227687166-C-T. GRCh37 (hg19) VCF-style: chr2-228551882-C-T.
Identifiers: ClinVar variation 334871 (VCV000334871.6), dbSNP rs192321676, ClinGen allele CA10614756.

ClinVar aggregate classification (germline): Likely benign. Review status: criteria provided, multiple submitters, no conflicts (2 of 4 stars). 2 submissions from 2 submitters: Likely benign (2). Last evaluated 2018-01-13.

Conditions:
Biotin-responsive basal ganglia disease (BTBGD). Also called: Thiamine Transporter-2 Deficiency; THIAMINE METABOLISM DYSFUNCTION SYNDROME 2 (BIOTIN- AND THIAMINE-RESPONSIVE TYPE); Thiamine metabolism dysfunction syndrome type 2; Thiamine metabolism dysfunction syndrome 2 (biotin- or thiamine-responsive encephalopathy type 2); thiamine-responsive encephalopathy. Identifiers: Orphanet 199348, Orphanet 65284, MedGen C1843807, MONDO:0011841, OMIM 607483.

Allele frequency attached by ClinVar (database versions not stated): 1000 Genomes Project 30x 0.00141; gnomAD 0.00153 and 0.00184; TOPMed 0.00178; 1000 Genomes Project 0.00180; gnomAD exomes 0.00274.
gnomAD v4.1: 1,033 of 433,630 alleles (0.24%); highest among the groups gnomAD compares: South Asian, 0.8%; 5 homozygotes.

Submissions (2):

Illumina Laboratory Services, Illumina
Classification: Likely benign for Biotin-responsive basal ganglia disease. Last evaluated: 2018-01-13. Review status: criteria provided, single submitter. Criteria: ICSL Variant Classification Criteria 13 December 2019. Collection method: clinical testing. Allele origin: germline.
Comment: This variant was observed in the ICSL laboratory as part of a predisposition screen in an ostensibly healthy population. It had not been previously curated by ICSL or reported in the Human Gene Mutation Database (HGMD: prior to June 1st, 2018), and was therefore a candidate for classification through an automated scoring system. Utilizing variant allele frequency, disease prevalence and penetrance estimates, and inheritance mode, an automated score was calculated to assess if this variant is too frequent to cause the disease. Based on the score and internal cut-off values, a variant classified as likely benign is not then subjected to further curation. The score for this variant resulted in a classification of likely benign for this disease.

Breakthrough Genomics
Classification: Likely benign. Review status: criteria provided, single submitter. Criteria: ACMG Guidelines, 2015. Collection method: not provided. Allele origin: germline. Inheritance: Autosomal recessive inheritance. Affected: yes.